The following is an entry in ClinVar:

NM_001330700.2(TOP2B):c.2408A>G (p.Asn803Ser)

Gene: TOP2B (DNA topoisomerase II beta; minus strand). Cytogenetic location: 3p24.2.
Variant type: single nucleotide variant.
Coding change: c.2408A>G on transcript NM_001330700.2 (MANE Select); coding-DNA position 2408, A replaced by G.
Protein change: p.Asn803Ser; replaces asparagine 803 with serine.
Molecular consequence: missense variant.
Genome position (GRCh38, 1-based): chr3:25,624,384, T>C on the plus strand (A>G on the coding strand, the complement: TOP2B is on the minus strand). VCF-style: chr3-25624384-T-C. GRCh37 (hg19) VCF-style: chr3-25665875-T-C.
Other names: c.2393A>G, p.Asn798Ser (NM_001068.3); short protein forms N798S, N803S.
Identifiers: ClinVar variation 2869642 (VCV002869642.3), dbSNP rs771685976, ClinGen allele CA2288492.
Genomic context (GRCh38, chr3:25,624,384, plus strand): 5'-CTTGCAGCATCTTTGCCACCATGAAGCCGAGTTCCAAACTGACCAATAGGCTGAAGCAAG[T>C]TAATGTTGTTACTTCCCACAAAGTTCTGAGCCAAATTCACAATAGTCATCATCAATGCTT-3'
Protein context (NP_001317629.1, residues 793-813): AQNFVGSNNI[Asn803Ser]LLQPIGQFGT

ClinVar aggregate classification (germline): Uncertain significance (1 of 4 stars; one submission).

Allele frequency attached by ClinVar (database versions not stated): gnomAD exomes below 0.00001; ExAC 0.00001.
gnomAD v4.1: 1 of 1,613,914 alleles (0.000062%); highest among the groups gnomAD compares: Non-Finnish European, 0.000085%; no homozygotes.

Submission:

Labcorp Genetics (formerly Invitae), Labcorp
Classification: Uncertain significance. Last evaluated: 2024-11-18. Review status: criteria provided, single submitter. Criteria: Invitae Variant Classification Sherloc (09022015). Collection method: clinical testing. Allele origin: germline.
Comment: This sequence change replaces asparagine, which is neutral and polar, with serine, which is neutral and polar, at codon 798 of the TOP2B protein (p.Asn798Ser). This variant is present in population databases (rs771685976, gnomAD 0.0009%). This variant has not been reported in the literature in individuals affected with TOP2B-related conditions. ClinVar contains an entry for this variant (Variation ID: 2869642). An algorithm developed to predict the effect of missense changes on protein structure and function (PolyPhen-2) suggests that this variant is likely to be tolerated. In summary, the available evidence is currently insufficient to determine the role of this variant in disease. Therefore, it has been classified as a Variant of Uncertain Significance.